The following is an entry in ClinVar:

NM_022356.4(P3H1):c.1613A>G (p.Tyr538Cys)

Gene: P3H1 (prolyl 3-hydroxylase 1; minus strand). Cytogenetic location: 1p34.2.
Variant type: single nucleotide variant.
Coding change: c.1613A>G on transcript NM_022356.4 (MANE Select); coding-DNA position 1613, A replaced by G.
Protein change: p.Tyr538Cys; replaces tyrosine 538 with cysteine.
Molecular consequence: missense variant.
Genome position (GRCh38, 1-based): chr1:42,750,293, T>C on the plus strand (A>G on the coding strand, the complement: P3H1 is on the minus strand). VCF-style: chr1-42750293-T-C. GRCh37 (hg19) VCF-style: chr1-43215964-T-C.
Other names: c.1613A>G, p.Tyr538Cys (NM_001146289.2, NM_001243246.2); short protein forms Y538C.
Identifiers: ClinVar variation 1058132 (VCV001058132.4), dbSNP rs748917248, ClinGen allele CA801760.

ClinVar aggregate classification (germline): Uncertain significance (1 of 4 stars; one submission).

Conditions:
Osteogenesis imperfecta type 8 (OI8). Identifiers: MedGen C1970458, MONDO:0012581, OMIM 610915.

Allele frequency attached by ClinVar (database versions not stated): gnomAD 0.00001; gnomAD exomes 0.00001 and 0.00002; TOPMed 0.00001; ExAC 0.00002.
gnomAD v4.1: 22 of 1,613,950 alleles (0.0014%); highest among the groups gnomAD compares: Non-Finnish European, 0.0019%; no homozygotes.

Submission:

Labcorp Genetics (formerly Invitae), Labcorp
Classification: Uncertain significance for Osteogenesis imperfecta type 8. Last evaluated: 2022-06-05. Review status: criteria provided, single submitter. Criteria: Invitae Variant Classification Sherloc (09022015). Collection method: clinical testing. Allele origin: germline.
Comment: This sequence change replaces tyrosine, which is neutral and polar, with cysteine, which is neutral and slightly polar, at codon 538 of the P3H1 protein (p.Tyr538Cys). This variant is present in population databases (rs748917248, gnomAD 0.004%). This variant has not been reported in the literature in individuals affected with P3H1-related conditions. ClinVar contains an entry for this variant (Variation ID: 1058132). Algorithms developed to predict the effect of missense changes on protein structure and function (SIFT, PolyPhen-2, Align-GVGD) all suggest that this variant is likely to be tolerated. In summary, the available evidence is currently insufficient to determine the role of this variant in disease. Therefore, it has been classified as a Variant of Uncertain Significance.